The following is an entry in ClinVar:

NM_019062.2(RNF186):c.190G>A (p.Ala64Thr)

Genes: RNF186 (ring finger protein 186; minus strand), RNF186-AS1 (RNF186 antisense RNA 1; plus strand). Cytogenetic location: 1p36.13.
Variant type: single nucleotide variant.
Coding change: c.190G>A on transcript NM_019062.2 (MANE Select); coding-DNA position 190, G replaced by A.
Protein change: p.Ala64Thr; replaces alanine 64 with threonine.
Molecular consequence: missense variant.
Genome position (GRCh38, 1-based): chr1:19,814,912, C>T on the plus strand (G>A on the coding strand, the complement: RNF186 is on the minus strand). VCF-style: chr1-19814912-C-T. GRCh37 (hg19) VCF-style: chr1-20141405-C-T.
Other names: short protein forms A64T.
Identifiers: ClinVar variation 4083614 (VCV004083614.8).
Genomic context (GRCh38, chr1:19,814,912, plus strand): 5'-GCGGGCAGGTGATGGACCAGGTGTTGTCCTGCACGCACAGCAGGAGCTTCAGGCAGATGG[C>T]GCAGAAGGCATGCTGGCAGGCCAGCAGCTTGGGCAACCGGGGACAGCTGTAGGGCTCCCG-3'
Protein context (NP_061935.1, residues 54-74): KLLACQHAFC[Ala64Thr]ICLKLLLCVQ

ClinVar aggregate classification (germline): Likely benign (1 of 4 stars; one submission).

gnomAD v4.1: 9,477 of 1,613,890 alleles (0.59%); highest among the groups gnomAD compares: Admixed American, 0.96%; 60 homozygotes.

Submission:

CeGaT Center for Human Genetics Tuebingen
Classification: Likely benign. Last evaluated: 2025-08-01. Review status: criteria provided, single submitter. Criteria: CeGaT Center For Human Genetics Tuebingen Variant Classification Criteria Version 2. Collection method: clinical testing. Allele origin: germline. Affected: yes. Observed: 1 variant allele.
Comment: RNF186: BS2